The following is an entry in ClinVar:

NM_000036.3(AMPD1):c.769A>C (p.Lys257Gln)

Gene: AMPD1 (adenosine monophosphate deaminase 1; minus strand). Cytogenetic location: 1p13.2.
Variant type: single nucleotide variant.
Coding change: c.769A>C on transcript NM_000036.3 (MANE Select); coding-DNA position 769, A replaced by C.
Protein change: p.Lys257Gln; replaces lysine 257 with glutamine.
Molecular consequence: missense variant.
Genome position (GRCh38, 1-based): chr1:114,679,707, T>G on the plus strand (A>C on the coding strand, the complement: AMPD1 is on the minus strand). VCF-style: chr1-114679707-T-G. GRCh37 (hg19) VCF-style: chr1-115222328-T-G.
Other names: c.868A>C (NM_000036.2); c.757A>C, p.Lys253Gln (NM_001172626.2); short protein forms K253Q, K257Q.
Identifiers: ClinVar variation 1349706 (VCV001349706.7), dbSNP rs750114853, ClinGen allele CA1020307.

ClinVar aggregate classification (germline): Uncertain significance. Review status: criteria provided, multiple submitters, no conflicts (2 of 4 stars). 2 submissions from 2 submitters: Uncertain significance (2). Last evaluated 2025-01-03.

Conditions:
Inborn genetic diseases. Identifiers: MedGen C0950123, MeSH D030342.
Muscle AMP deaminase deficiency (MMDD). Also called: Myoadenylate deaminase deficiency, myopathy due to; Adenosine monophosphate deaminase 1 deficiency; AMP deaminase 1 deficiency; Adenosine Monophosphate Deaminase 1; ADENOSINE MONOPHOSPHATE DEAMINASE-1 DEFICIENCY, MYOPATHY DUE TO; AMPD1 DEFICIENCY. Identifiers: Orphanet 45, MedGen C3714933, MONDO:0014220, OMIM 615511.

Allele frequency attached by ClinVar (database versions not stated): gnomAD exomes below 0.00001; ExAC 0.00001.

Submissions (2):

Ambry Genetics
Classification: Uncertain significance for Inborn genetic diseases. Last evaluated: 2025-01-03. Review status: criteria provided, single submitter. Criteria: Ambry Variant Classification Scheme 2023. Collection method: clinical testing. Allele origin: germline.

Labcorp Genetics (formerly Invitae), Labcorp
Classification: Uncertain significance for Muscle AMP deaminase deficiency. Last evaluated: 2022-03-08. Review status: criteria provided, single submitter. Criteria: Invitae Variant Classification Sherloc (09022015). Collection method: clinical testing. Allele origin: germline.
Comment: This sequence change replaces lysine, which is basic and polar, with glutamine, which is neutral and polar, at codon 290 of the AMPD1 protein (p.Lys290Gln). This variant is present in population databases (rs750114853, gnomAD 0.0009%). This variant has not been reported in the literature in individuals affected with AMPD1-related conditions. Algorithms developed to predict the effect of missense changes on protein structure and function (SIFT, PolyPhen-2, Align-GVGD) all suggest that this variant is likely to be disruptive. Algorithms developed to predict the effect of sequence changes on RNA splicing suggest that this variant may create or strengthen a splice site. In summary, the available evidence is currently insufficient to determine the role of this variant in disease. Therefore, it has been classified as a Variant of Uncertain Significance.